The following is an entry in ClinVar:

NM_000245.4(MET):c.4150G>T (p.Ala1384Ser)

Gene: MET (MET proto-oncogene, receptor tyrosine kinase; plus strand). Cytogenetic location: 7q31.2.
Variant type: single nucleotide variant.
Coding change: c.4150G>T on transcript NM_000245.4 (MANE Select); coding-DNA position 4150, G replaced by T.
Protein change: p.Ala1384Ser; replaces alanine 1384 with serine.
Molecular consequence: missense variant.
Genome position (GRCh38, 1-based): chr7:116,796,101, G>T. VCF-style: chr7-116796101-G-T. GRCh37 (hg19) VCF-style: chr7-116436155-G-T.
Other names: c.4204G>T, p.Ala1402Ser (NM_001127500.3); c.2860G>T, p.Ala954Ser (NM_001324402.2); short protein forms A1384S, A1402S, A954S.
Identifiers: ClinVar variation 5024345 (VCV005024345.1).

ClinVar aggregate classification (germline): Uncertain significance (1 of 4 stars; one submission).

Conditions:
Hereditary cancer-predisposing syndrome. Also called: Neoplastic Syndromes, Hereditary; Tumor predisposition; Hereditary neoplastic syndrome; Hereditary Cancer Syndrome. Identifiers: Orphanet 140162, MedGen C0027672, MeSH D009386, MONDO:0015356.

Submission:

Ambry Genetics
Classification: Uncertain significance for Hereditary cancer-predisposing syndrome. Last evaluated: 2026-07-13. Review status: criteria provided, single submitter. Criteria: Ambry Variant Classification Scheme 2023. Collection method: clinical testing. Allele origin: germline.
Comment: The p.A1402S variant (also known as c.4204G>T), located in coding exon 20 of the MET gene, results from a G to T substitution at nucleotide position 4204. The alanine at codon 1402 is replaced by serine, an amino acid with similar properties. This amino acid position is conserved. In addition, this alteration is predicted to be tolerated by in silico analysis. Based on the available evidence, the clinical significance of this variant remains unclear.